The following is an entry in ClinVar:

NM_139315.3(TAF6):c.1225G>A (p.Gly409Ser)

Genes: AP4M1 (adaptor related protein complex 4 subunit mu 1; plus strand), TAF6 (TATA-box binding protein associated factor 6; minus strand). Cytogenetic location: 7q22.1.
Variant type: single nucleotide variant.
Coding change: c.1225G>A on transcript NM_139315.3 (MANE Select); coding-DNA position 1225, G replaced by A.
Protein change: p.Gly409Ser; replaces glycine 409 with serine.
Molecular consequence: missense variant. On other transcripts: non-coding transcript variant (1).
Genome position (GRCh38, 1-based): chr7:100,110,007, C>T on the plus strand (G>A on the coding strand, the complement: TAF6 is on the minus strand). VCF-style: chr7-100110007-C-T. GRCh37 (hg19) VCF-style: chr7-99707630-C-T.
Other names: c.1336G>A, p.Gly446Ser (NM_001190415.2); c.1225G>A, p.Gly409Ser (NM_001364998.1, NM_001364999.1, NM_005641.4); c.1195G>A, p.Gly399Ser (NM_001365000.1, NM_001365001.1, NM_001365002.1 and 1 more transcripts); c.1363G>A, p.Gly455Ser (NM_001365004.1); short protein forms G455S, G399S, G446S, G409S.
Identifiers: ClinVar variation 4760496 (VCV004760496.1).

ClinVar aggregate classification (germline): Uncertain significance (1 of 4 stars; one submission).

gnomAD v4.1: 7 of 1,614,006 alleles (0.00043%); highest among the groups gnomAD compares: Admixed American, 0.005%; no homozygotes.

Submission:

Labcorp Genetics (formerly Invitae), Labcorp
Classification: Uncertain significance. Last evaluated: 2025-07-25. Review status: criteria provided, single submitter. Criteria: Invitae Variant Classification Sherloc (09022015). Collection method: clinical testing. Allele origin: germline.
Comment: This sequence change replaces glycine, which is neutral and non-polar, with serine, which is neutral and polar, at codon 409 of the TAF6 protein (p.Gly409Ser). This variant is present in population databases (no rsID available, gnomAD 0.006%). This variant has not been reported in the literature in individuals affected with TAF6-related conditions. Invitae Evidence Modeling of protein sequence and biophysical properties (such as structural, functional, and spatial information, amino acid conservation, physicochemical variation, residue mobility, and thermodynamic stability) indicates that this missense variant is not expected to disrupt TAF6 protein function with a negative predictive value of 80%. In summary, the available evidence is currently insufficient to determine the role of this variant in disease. Therefore, it has been classified as a Variant of Uncertain Significance.